The following is an entry in ClinVar:

NM_000159.4(GCDH):c.202_206delinsT (p.Arg68fs)

Genes: GCDH (glutaryl-CoA dehydrogenase; plus strand), LOC117125594 (CRISPRi-FlowFISH-validated KLF1 regulatory element; plus strand). Cytogenetic location: 19p13.13.
Variant type: Indel.
Coding change: c.202_206delinsT on transcript NM_000159.4 (MANE Select); coding-DNA positions 202 to 206, AGGGA replaced by T.
Protein change: p.Arg68fs; shifts the reading frame from arginine 68.
Molecular consequence: frameshift variant. On other transcripts: non-coding transcript variant (2).
Genome position (GRCh38, 1-based): chr19:12,891,905-12,891,909, AGGGA replaced by T. VCF-style: chr19-12891905-AGGGA-T. GRCh37 (hg19) VCF-style: chr19-13002719-AGGGA-T.
Other names: c.202_206delinsT, p.Arg68fs (NM_013976.5); short protein forms R68fs.
Identifiers: ClinVar variation 5011326 (VCV005011326.1).

ClinVar aggregate classification (germline): Pathogenic (1 of 4 stars; one submission).

Conditions:
Glutaric aciduria, type 1. Also called: GA I; Glutaryl-CoA dehydrogenase deficiency; Glutaric acidemia type I; Glutaricacidemia Type 1; Glutaricaciduria, type I; Glutaric Acidemia Type 1. Identifiers: Orphanet 25, MedGen C0268595, MONDO:0009281, OMIM 231670.

Submission:

Myriad Genetics, Inc.
Classification: Pathogenic for Glutaric aciduria, type 1. Last evaluated: 2023-08-12. Review status: criteria provided, single submitter. Criteria: Myriad Autosomal Dominant, Autosomal Recessive and X-Linked Classification Criteria (2023). Collection method: clinical testing. Allele origin: unknown.
Comment: NM_000159.2(GCDH):c.202_206del5ins1(R68Sfs*73) is expected to be pathogenic in the context of glutaric acidemia, GCDH-related. This variant is predicted to lead to an abnormal or absent protein product due to the creation of a premature termination codon in GCDH, a gene where loss-of-function variants are known to be pathogenic. Please note: this variant was assessed in the context of healthy population screening.